The following is an entry in ClinVar:

ClinVar aggregate classification (germline): Pathogenic. Review status: criteria provided, multiple submitters, no conflicts (2 of 4 stars). 3 submissions from 3 submitters: Pathogenic (3). Last evaluated 2025-09-12.

Conditions:
Hereditary cancer-predisposing syndrome. Also called: Tumor predisposition; Hereditary neoplastic syndrome; Neoplastic Syndromes, Hereditary; Hereditary Cancer Syndrome. Identifiers: Orphanet 140162, MedGen C0027672, MeSH D009386, MONDO:0015356.
Familial adenomatous polyposis 2. Also called: MUTYH Polyposis; COLORECTAL ADENOMATOUS POLYPOSIS, AUTOSOMAL RECESSIVE; ADENOMAS, MULTIPLE COLORECTAL, AUTOSOMAL RECESSIVE; MUTYH-associated polyposis; MUTYH-related attenuated familial adenomatous polyposis; Adenomas, multiple colorectal. Identifiers: Orphanet 220460, Orphanet 247798, MedGen C3272841, MONDO:0012041, OMIM 608456.

Submissions (3):

Color Diagnostics, LLC DBA Color Health
Classification: Pathogenic for Hereditary cancer-predisposing syndrome. Last evaluated: 2025-09-12. Review status: criteria provided, single submitter. Criteria: ACMG Guidelines, 2015. Collection method: clinical testing. Allele origin: germline.
Comment: This variant causes the deletion of one nucleotide and insertion of two nucleotides in exon 10 of the MUTYH gene, creating a premature translation stop signal. This variant is expected to result in an absent or non-functional protein product. This variant has not been reported in individuals affected with MUTYH-related disorders in the literature. This variant has not been identified in the general population by the Genome Aggregation Database (gnomAD). Loss of MUTYH function is a known mechanism of disease. Based on the available evidence, this variant is classified as Pathogenic.

Labcorp Genetics (formerly Invitae), Labcorp
Classification: Pathogenic for Familial adenomatous polyposis 2. Last evaluated: 2018-11-01. Review status: criteria provided, single submitter. Criteria: Invitae Variant Classification Sherloc (09022015). Collection method: clinical testing. Allele origin: germline.
Comment: Loss-of-function variants in MUTYH are known to be pathogenic (PMID: 18534194, 20663686). For these reasons, this variant has been classified as Pathogenic. This sequence change creates a premature translational stop signal (p.Val270Glufs*59) in the MUTYH gene. It is expected to result in an absent or disrupted protein product. This variant is not present in population databases (ExAC no frequency). This variant has not been reported in the literature in individuals with MUTYH-related disease.

Ambry Genetics
Classification: Pathogenic for Hereditary cancer-predisposing syndrome. Last evaluated: 2017-11-30. Review status: criteria provided, single submitter. Criteria: Ambry Variant Classification Scheme 2023. Collection method: clinical testing. Allele origin: germline.
Comment: The c.809delTinsAG pathogenic mutation, located in coding exon 10 of the MUTYH gene, results from the deletion of one nucleotide and insertion of two nucleotides causing a translational frameshift with a predicted alternate stop codon (p.V270Efs*59). This alteration is expected to result in loss of function by premature protein truncation or nonsense-mediated mRNA decay. As such, this alteration is interpreted as a disease-causing mutation.

Literature cited by the submitters: PubMed 18534194 (cited by Labcorp Genetics (formerly Invitae), Labcorp); PubMed 20663686 (cited by Labcorp Genetics (formerly Invitae), Labcorp).

NM_001048174.2(MUTYH):c.725delinsAG (p.Val242fs)

Gene: MUTYH (mutY DNA glycosylase; minus strand). Cytogenetic location: 1p34.1.
Variant type: Indel.
Coding change: c.725delinsAG on transcript NM_001048174.2 (MANE Select); coding-DNA position 725, T replaced by AG.
Protein change: p.Val242fs; shifts the reading frame from valine 242.
Molecular consequence: frameshift variant. On other transcripts: non-coding transcript variant (2).
Genome position (GRCh38, 1-based): chr1:45,332,290, A replaced by CT on the plus strand (T replaced by AG on the coding strand, the reverse complement: MUTYH is on the minus strand). VCF-style: chr1-45332290-A-CT. GRCh37 (hg19) VCF-style: chr1-45797962-A-CT.
Other names: c.725delinsAG, p.Val242fs (NM_001048171.2, NM_001048173.2, NM_001293195.2); c.728delinsAG, p.Val243fs (NM_001048172.2); c.809delinsAG, p.Val270fs (NM_001128425.2); c.770delinsAG, p.Val257fs (NM_001293190.2); c.758delinsAG, p.Val253fs (NM_001293191.2); c.449delinsAG, p.Val150fs (NM_001293192.2, NM_001293196.2); c.380delinsAG, p.Val127fs (NM_001350650.2, NM_001350651.2); c.800delinsAG, p.Val267fs (NM_012222.3); short protein forms V127fs, V257fs, V267fs, V242fs, V253fs, V150fs, V243fs, V270fs.
Identifiers: ClinVar variation 533305 (VCV000533305.10), dbSNP rs1553127825, ClinGen allele CA658795452.